The following is an entry in ClinVar:

ClinVar aggregate classification (germline): Pathogenic (1 of 4 stars; one submission).

Conditions:
Waardenburg syndrome type 4C (WS4C). Also called: WAARDENBURG SYNDROME WITH HIRSCHSPRUNG DISEASE, TYPE 4C. Identifiers: Orphanet 897, MedGen C2750452, MONDO:0013202, OMIM 613266.

Submission:

Institute of Rare Diseases, West China Hospital, Sichuan University
Classification: Pathogenic for Waardenburg syndrome type 4C. Last evaluated: 2025-01-09. Review status: criteria provided, single submitter. Criteria: ClinGen HL ACMG Specifications v1. Collection method: research. Allele origin: germline. Affected: yes.
Comment: PM1;PVS1;PS2;PM2_Supporting

NM_006941.4(SOX10):c.321del (p.Pro107_Met108insTer)

Genes: POLR2F (RNA polymerase II, I and III subunit F; plus strand), SOX10 (SRY-box transcription factor 10; minus strand). Cytogenetic location: 22q13.1.
Variant type: Deletion.
Coding change: c.321del on transcript NM_006941.4 (MANE Select); coding-DNA position 321, one base deleted (C; older notation c.321delC).
Protein change: p.Pro107_Met108insTer.
Molecular consequence: frameshift variant. On other transcripts: intron variant (3).
Genome position (GRCh38, 1-based): chr22:37,983,464, G deleted on the plus strand (C on the coding strand, the reverse complement: SOX10 is on the minus strand); the first of 3 consecutive G bases (chr22:37,983,464-37,983,466); deleting any one gives the same sequence. VCF-style (leftmost placement, unchanged base first): chr22-37983463-TG-T. GRCh37 (hg19) VCF-style: chr22-38379470-TG-T.
Other names: c.*38+11156del (NM_001363825.1); c.294-2688del (NM_001301130.2); c.293+16296del (NM_001301131.2).
Identifiers: ClinVar variation 3601819 (VCV003601819.1).